The following is an entry in ClinVar:

ClinVar aggregate classification (germline): Uncertain significance (1 of 4 stars; one submission).

Submission:

GeneDx
Classification: Uncertain significance. Last evaluated: 2024-01-08. Review status: criteria provided, single submitter. Criteria: GeneDx Variant Classification Process June 2021. Collection method: clinical testing. Allele origin: germline. Affected: yes.
Comment: Not observed at significant frequency in large population cohorts (gnomAD); In silico analysis supports that this missense variant has a deleterious effect on protein structure/function; Has not been previously published as pathogenic or benign to our knowledge

NM_005032.7(PLS3):c.346G>A (p.Gly116Arg)

Gene: PLS3 (plastin 3; plus strand). Cytogenetic location: Xq23.
Variant type: single nucleotide variant.
Coding change: c.346G>A on transcript NM_005032.7 (MANE Select); coding-DNA position 346, G replaced by A.
Protein change: p.Gly116Arg; replaces glycine 116 with arginine.
Molecular consequence: missense variant.
Genome position (GRCh38, 1-based): chrX:115,629,306, G>A. VCF-style: chrX-115629306-G-A. GRCh37 (hg19) VCF-style: chrX-114863618-G-A.
Other names: c.346G>A, p.Gly116Arg (NM_001136025.5); c.265G>A, p.Gly89Arg (NM_001172335.3); c.280G>A, p.Gly94Arg (NM_001282337.2); c.211G>A, p.Gly71Arg (NM_001282338.2); short protein forms G116R, G71R, G89R, G94R.
Identifiers: ClinVar variation 3367384 (VCV003367384.1).
Genomic context (GRCh38, chrX:115,629,306, plus strand): 5'-GCAATCAACAGGAAAGAAGGTATTTGTGCTCTGGGTGGAACTTCAGAGTTGTCCAGCGAA[G>A]GAACACAGCATTCTTACTCAGGTAATCATTTTATATGCAATAGGTTAACACAATGTGCTA-3'
Protein context (NP_005023.2, residues 106-126): LGGTSELSSE[Gly116Arg]TQHSYSEEEK